The following is an entry in ClinVar:

ClinVar aggregate classification (germline): Uncertain significance (1 of 4 stars; one submission).

Conditions:
Marfan syndrome (MFS). Also called: MARFAN SYNDROME, TYPE I; Marfan syndrome type 1; Marfan's syndrome; Marfan syndrome, classic; FBN1-Related Marfan Syndrome. Identifiers: Orphanet 284963, Orphanet 558, MedGen C0024796, MONDO:0007947, OMIM 154700.
Familial thoracic aortic aneurysm and aortic dissection (TAAD). Also called: Thoracic aortic aneurysms and dissections. Identifiers: Orphanet 91387, MedGen C4707243, MONDO:0019625.

Submission:

Labcorp Genetics (formerly Invitae), Labcorp
Classification: Uncertain significance for Marfan syndrome; Familial thoracic aortic aneurysm and aortic dissection. Last evaluated: 2023-11-17. Review status: criteria provided, single submitter. Criteria: Invitae Variant Classification Sherloc (09022015). Collection method: clinical testing. Allele origin: germline.
Comment: This sequence change replaces lysine, which is basic and polar, with arginine, which is basic and polar, at codon 2472 of the FBN1 protein (p.Lys2472Arg). This variant is not present in population databases (gnomAD no frequency). This missense change has been observed in individual(s) with clinical features of thoracic aortic aneurysm and aortic dissection (Invitae). Advanced modeling of protein sequence and biophysical properties (such as structural, functional, and spatial information, amino acid conservation, physicochemical variation, residue mobility, and thermodynamic stability) performed at Invitae indicates that this missense variant is not expected to disrupt FBN1 protein function with a negative predictive value of 95%. In summary, the available evidence is currently insufficient to determine the role of this variant in disease. Therefore, it has been classified as a Variant of Uncertain Significance.

NM_000138.5(FBN1):c.7415A>G (p.Lys2472Arg)

Gene: FBN1 (fibrillin 1; minus strand). Cytogenetic location: 15q21.1.
Variant type: single nucleotide variant.
Coding change: c.7415A>G on transcript NM_000138.5 (MANE Select); coding-DNA position 7415, A replaced by G.
Protein change: p.Lys2472Arg; replaces lysine 2472 with arginine.
Molecular consequence: missense variant.
Genome position (GRCh38, 1-based): chr15:48,425,407, T>C on the plus strand (A>G on the coding strand, the complement: FBN1 is on the minus strand). VCF-style: chr15-48425407-T-C. GRCh37 (hg19) VCF-style: chr15-48717604-T-C.
Other names: c.7415A>G, p.Lys2472Arg (NM_001406716.1); short protein forms K2472R.
Identifiers: ClinVar variation 2947161 (VCV002947161.3), dbSNP rs2505406645, ClinGen allele CA392327740.
Genomic context (GRCh38, chr15:48,425,407, plus strand): 5'-GCAATGGTCAATTCTACTTTACCTTTGCAGCTCCTTCCATCCTCTTGCAGAATGTAGCCT[T>C]TCGGGCATGAACACTGGTAACTCCCTTCTGTGTTTTTGCAGATAAAATTGCAGGGTTTGG-3'
Protein context (NP_000129.3, residues 2462-2482): TEGSYQCSCP[Lys2472Arg]GYILQEDGRS